The following is an entry in ClinVar:

ClinVar aggregate classification (germline): Uncertain significance (1 of 4 stars; one submission).

Submission:

Labcorp Genetics (formerly Invitae), Labcorp
Classification: Uncertain significance. Last evaluated: 2022-11-15. Review status: criteria provided, single submitter. Criteria: Invitae Variant Classification Sherloc (09022015). Collection method: clinical testing. Allele origin: germline.
Comment: In summary, the available evidence is currently insufficient to determine the role of this variant in disease. Therefore, it has been classified as a Variant of Uncertain Significance. Variants that disrupt the consensus splice site are a relatively common cause of aberrant splicing (PMID: 17576681, 9536098). Algorithms developed to predict the effect of sequence changes on RNA splicing suggest that this variant is not likely to affect RNA splicing. ClinVar contains an entry for this variant (Variation ID: 1396877). This variant has not been reported in the literature in individuals affected with POLE-related conditions. This variant is not present in population databases (gnomAD no frequency). This sequence change falls in intron 17 of the POLE gene. It does not directly change the encoded amino acid sequence of the POLE protein. It affects a nucleotide within the consensus splice site.

Literature cited by the submitters: PubMed 17576681; PubMed 9536098.

NM_006231.4(POLE):c.1923+5G>A

Gene: POLE (DNA polymerase epsilon, catalytic subunit; minus strand). Cytogenetic location: 12q24.33.
Variant type: single nucleotide variant.
Coding change: c.1923+5G>A on transcript NM_006231.4 (MANE Select); 5 bases into the intron after coding-DNA position 1923, G replaced by A.
Molecular consequence: intron variant.
Genome position (GRCh38, 1-based): chr12:132,668,806, C>T on the plus strand (G>A on the coding strand, the complement: POLE is on the minus strand). VCF-style: chr12-132668806-C-T. GRCh37 (hg19) VCF-style: chr12-133245392-C-T.
Identifiers: ClinVar variation 1396877 (VCV001396877.6), dbSNP rs2135978865, ClinGen allele CA2573148233.